The following is an entry in ClinVar:

NM_033448.3(KRT71):c.482A>G (p.Lys161Arg)

Gene: KRT71 (keratin 71; minus strand). Cytogenetic location: 12q13.13.
Variant type: single nucleotide variant.
Coding change: c.482A>G on transcript NM_033448.3 (MANE Select); coding-DNA position 482, A replaced by G.
Protein change: p.Lys161Arg; replaces lysine 161 with arginine.
Molecular consequence: missense variant.
Genome position (GRCh38, 1-based): chr12:52,550,203, T>C on the plus strand (A>G on the coding strand, the complement: KRT71 is on the minus strand). VCF-style: chr12-52550203-T-C. GRCh37 (hg19) VCF-style: chr12-52943987-T-C.
Other names: c.482A>G (NM_033448.2); short protein forms K161R.
Identifiers: ClinVar variation 2713676 (VCV002713676.4), dbSNP rs763476720, ClinGen allele CA384949701.
Genomic context (GRCh38, chr12:52,550,203, plus strand): 5'-AGGATGGGCTCCAGGTTGTTCTTGCAGTTGTTCAGGTCCAGCTGCTGCAGCAGCTCCCAC[T>C]TGGTCTCCAGTACCTGGTTCTGCTGCTCCAGGAACCGCACCTGGAACCCAGATCCCAGAA-3'
Protein context (NP_258259.1, residues 151-171): LEQQNQVLET[Lys161Arg]WELLQQLDLN

ClinVar aggregate classification (germline): Uncertain significance. Review status: criteria provided, multiple submitters, no conflicts (2 of 4 stars). 2 submissions from 2 submitters: Uncertain significance (2). Last evaluated 2025-04-03.

Allele frequency attached by ClinVar (database versions not stated): gnomAD 0.00001; gnomAD exomes 0.00001; TOPMed 0.00002.

Submissions (2):

Ambry Genetics
Classification: Uncertain significance. Last evaluated: 2025-04-03. Review status: criteria provided, single submitter. Criteria: Ambry Variant Classification Scheme 2023. Collection method: clinical testing. Allele origin: germline.

Labcorp Genetics (formerly Invitae), Labcorp
Classification: Uncertain significance. Last evaluated: 2023-02-06. Review status: criteria provided, single submitter. Criteria: Invitae Variant Classification Sherloc (09022015). Collection method: clinical testing. Allele origin: germline.
Comment: This sequence change replaces lysine, which is basic and polar, with arginine, which is basic and polar, at codon 161 of the KRT71 protein (p.Lys161Arg). This variant is present in population databases (no rsID available, gnomAD 0.01%). This variant has not been reported in the literature in individuals affected with KRT71-related conditions. Advanced modeling of protein sequence and biophysical properties (such as structural, functional, and spatial information, amino acid conservation, physicochemical variation, residue mobility, and thermodynamic stability) performed at Invitae indicates that this missense variant is not expected to disrupt KRT71 protein function. In summary, the available evidence is currently insufficient to determine the role of this variant in disease. Therefore, it has been classified as a Variant of Uncertain Significance.